The following is an entry in ClinVar:

ClinVar aggregate classification (germline): Uncertain significance (1 of 4 stars; one submission).

gnomAD v4.1: 7 of 1,614,156 alleles (0.00043%); highest among the groups gnomAD compares: Non-Finnish European, 0.00059%; no homozygotes.

Submission:

Ambry Genetics
Classification: Uncertain significance. Last evaluated: 2024-12-29. Review status: criteria provided, single submitter. Criteria: Ambry Variant Classification Scheme 2023. Collection method: clinical testing. Allele origin: germline.
Comment: The p.C139G variant (also known as c.415T>G), located in coding exon 3 of the GEN1 gene, results from a T to G substitution at nucleotide position 415. The cysteine at codon 139 is replaced by glycine, an amino acid with highly dissimilar properties. This amino acid position is conserved. In addition, this alteration is predicted to be deleterious by in silico analysis. Based on the available evidence, the clinical significance of this variant remains unclear.

NM_001130009.3(GEN1):c.415T>G (p.Cys139Gly)

Gene: GEN1 (GEN1 Holliday junction 5' flap endonuclease; plus strand). Cytogenetic location: 2p24.2.
Variant type: single nucleotide variant.
Coding change: c.415T>G on transcript NM_001130009.3 (MANE Select); coding-DNA position 415, T replaced by G.
Protein change: p.Cys139Gly; replaces cysteine 139 with glycine.
Molecular consequence: missense variant.
Genome position (GRCh38, 1-based): chr2:17,764,963, T>G. VCF-style: chr2-17764963-T-G. GRCh37 (hg19) VCF-style: chr2-17946230-T-G.
Other names: c.415T>G, p.Cys139Gly (NM_182625.5); short protein forms C139G.
Identifiers: ClinVar variation 3853474 (VCV003853474.1).